The following is an entry in ClinVar:

ClinVar aggregate classification (germline): Pathogenic/Likely pathogenic. Review status: criteria provided, multiple submitters, no conflicts (2 of 4 stars). 3 submissions from 3 submitters: Pathogenic (1); Likely pathogenic (1). 1 of the submissions does not count toward it. Last evaluated 2025-10-17.

Conditions:
Intellectual developmental disorder with gastrointestinal difficulties and high pain threshold (JDVS). Also called: JANSEN-DE VRIES SYNDROME. Identifiers: Orphanet 653767, MedGen C4479517, MONDO:0044318, OMIM 617450.

Submissions (3):

MVZ Martinsried, Medicover Genetics
Classification: Likely pathogenic for Intellectual developmental disorder with gastrointestinal difficulties and high pain threshold. Last evaluated: 2025-10-17. Review status: criteria provided, single submitter. Criteria: ClinGen Variant Curation SOP V3.2 + Classification Guidance July2025. Collection method: clinical testing. Allele origin: de novo. Observed: 1 heterozygote.

Institute of Human Genetics, University of Leipzig Medical Center
Classification: Pathogenic for Intellectual developmental disorder with gastrointestinal difficulties and high pain threshold. Last evaluated: 2024-07-31. Review status: criteria provided, single submitter. Criteria: ACMG Guidelines, 2015. Collection method: clinical testing. Allele origin: unknown. Inheritance: Autosomal dominant inheritance. Affected: yes.
Comment: Criteria applied: PS2_VSTR,PVS1_STR,PS4_MOD,PM2

OMIM
Classification: Pathogenic for JANSEN-DE VRIES SYNDROME. Last evaluated: 2019-06-17. Review status: no assertion criteria provided. Collection method: literature only. Allele origin: germline. Not counted in ClinVar's aggregate classification.

Literature cited by the submitters: PubMed 28343630 (cited by OMIM).

NM_003620.4(PPM1D):c.1270dup (p.Glu424fs)

Gene: PPM1D (protein phosphatase, Mg2+/Mn2+ dependent 1D; plus strand). Cytogenetic location: 17q23.2.
Variant type: Duplication.
Coding change: c.1270dup on transcript NM_003620.4 (MANE Select); coding-DNA position 1270, one base duplicated (G; older notation c.1270dupG).
Protein change: p.Glu424fs; shifts the reading frame from glutamic acid 424.
Molecular consequence: frameshift variant.
Genome position (GRCh38, 1-based): chr17:60,663,004, G duplicated; the last of 2 consecutive G bases (chr17:60,663,003-60,663,004); duplicating either gives the same sequence. VCF-style (leftmost placement, unchanged base first): chr17-60663002-A-AG. GRCh37 (hg19) VCF-style: chr17-58740363-A-AG.
Other names: short protein forms E424fs.
Identifiers: ClinVar variation 424877 (VCV000424877.6), dbSNP rs1064797098, ClinGen allele CA16621551.